The following is an entry in ClinVar:

NM_015122.3(FCHO1):c.1325C>G (p.Ser442Ter)

Gene: FCHO1 (FCH and mu domain containing endocytic adaptor 1; plus strand). Cytogenetic location: 19p13.11.
Variant type: single nucleotide variant.
Coding change: c.1325C>G on transcript NM_015122.3 (MANE Select); coding-DNA position 1325, C replaced by G.
Protein change: p.Ser442Ter; replaces serine 442 with a stop codon.
Molecular consequence: nonsense. On other transcripts: non-coding transcript variant (24), intron variant (1).
Genome position (GRCh38, 1-based): chr19:17,778,202, C>G. VCF-style: chr19-17778202-C-G. GRCh37 (hg19) VCF-style: chr19-17889011-C-G.
Other names: c.1325C>G, p.Ser442Ter (NM_001384376.1, NM_001384377.1, NM_001384378.1 and 25 more transcripts); c.1175C>G, p.Ser392Ter (NM_001384384.1, NM_001384385.1, NM_001384386.1 and 2 more transcripts); c.1280C>G, p.Ser427Ter (NM_001384403.1); c.1286C>G, p.Ser429Ter (NM_001384405.1, NM_001384388.1, NM_001384389.1); c.1057+1931C>G (NM_001384407.1); c.1250C>G, p.Ser417Ter (NM_001384390.1); short protein forms S392*, S427*, S429*, S417*, S442*.
Identifiers: ClinVar variation 2870389 (VCV002870389.3), dbSNP rs2513888704, ClinGen allele CA404752892.
Genomic context (GRCh38, chr19:17,778,202, plus strand): 5'-CAGAGAGATTGCAGTCAGAGGAGCAGGTGTCCAAGAACCTCTTTGGGCCGCCCCTGGAGT[C>G]AGCCTTTGACCACGAAGATTTTACAGGTGATGGGGATAAGGGATTGGAGGGCATGGGTGT-3'

ClinVar aggregate classification (germline): Pathogenic (1 of 4 stars; one submission).

Submission:

Labcorp Genetics (formerly Invitae), Labcorp
Classification: Pathogenic. Last evaluated: 2023-01-27. Review status: criteria provided, single submitter. Criteria: Invitae Variant Classification Sherloc (09022015). Collection method: clinical testing. Allele origin: germline.
Comment: This variant has not been reported in the literature in individuals affected with FCHO1-related conditions. For these reasons, this variant has been classified as Pathogenic. This variant is not present in population databases (gnomAD no frequency). This sequence change creates a premature translational stop signal (p.Ser442*) in the FCHO1 gene. It is expected to result in an absent or disrupted protein product. Loss-of-function variants in FCHO1 are known to be pathogenic (PMID: 30822429).

Literature cited by the submitters: PubMed 30822429.